The following is an entry in ClinVar:

NM_002296.4(LBR):c.1367T>C (p.Leu456Pro)

Gene: LBR (lamin B receptor; minus strand). Cytogenetic location: 1q42.12.
Variant type: single nucleotide variant.
Coding change: c.1367T>C on transcript NM_002296.4 (MANE Select); coding-DNA position 1367, T replaced by C.
Protein change: p.Leu456Pro; replaces leucine 456 with proline.
Molecular consequence: missense variant.
Genome position (GRCh38, 1-based): chr1:225,406,780, A>G on the plus strand (T>C on the coding strand, the complement: LBR is on the minus strand). VCF-style: chr1-225406780-A-G. GRCh37 (hg19) VCF-style: chr1-225594482-A-G.
Other names: c.1367T>C, p.Leu456Pro (NM_194442.3); short protein forms L456P.
Identifiers: ClinVar variation 4881691 (VCV004881691.2).

ClinVar aggregate classification (germline): Uncertain significance (1 of 4 stars; one submission).

Submission:

Dasa
Classification: Uncertain significance. Last evaluated: 2026-03-11. Review status: criteria provided, single submitter. Criteria: DASA Assertion Criteria. Collection method: clinical testing. Allele origin: germline.
Comment: NM_002296.4(LBR):c.1367T>C (p.Leu456Pro) is a missense variant that results in the substitution of leucine with proline. This variant is rare in population databases. Computational prediction algorithms are consistent with a deleterious effect. The currently available literature and clinical evidence are not sufficient to establish a definitive association between this variant and the reported condition. Therefore, this variant is classified as a variant of uncertain significance.